The following is an entry in ClinVar:

NM_003811.4(TNFSF9):c.124G>A (p.Ala42Thr)

Gene: TNFSF9 (TNF superfamily member 9; plus strand). Cytogenetic location: 19p13.3.
Variant type: single nucleotide variant.
Coding change: c.124G>A on transcript NM_003811.4 (MANE Select); coding-DNA position 124, G replaced by A.
Protein change: p.Ala42Thr; replaces alanine 42 with threonine.
Molecular consequence: missense variant.
Genome position (GRCh38, 1-based): chr19:6,531,160, G>A. VCF-style: chr19-6531160-G-A. GRCh37 (hg19) VCF-style: chr19-6531171-G-A.
Other names: short protein forms A42T.
Identifiers: ClinVar variation 2649141 (VCV002649141.24), dbSNP rs2234174, ClinGen allele CA9127561.

ClinVar aggregate classification (germline): Benign (1 of 4 stars; one submission).

Allele frequency attached by ClinVar (database versions not stated): TOPMed 0.00855; 1000 Genomes Project 30x 0.00953; ESP Exome Variant Server 0.00978; 1000 Genomes Project 0.00998; gnomAD 0.01069; ExAC 0.01320.

Submission:

CeGaT Center for Human Genetics Tuebingen
Classification: Benign. Last evaluated: 2023-02-01. Review status: criteria provided, single submitter. Criteria: CeGaT Center For Human Genetics Tuebingen Variant Classification Criteria Version 2. Collection method: clinical testing. Allele origin: germline. Affected: yes. Observed: 1 variant allele.
Comment: TNFSF9: BS1, BS2